The following is an entry in ClinVar:

NM_007294.4(BRCA1):c.4841C>G (p.Pro1614Arg)

Gene: BRCA1 (BRCA1 DNA repair associated; minus strand). Cytogenetic location: 17q21.31.
Variant type: single nucleotide variant.
Coding change: c.4841C>G on transcript NM_007294.4 (MANE Select); coding-DNA position 4841, C replaced by G.
Protein change: p.Pro1614Arg; replaces proline 1614 with arginine.
Molecular consequence: missense variant. On other transcripts: intron variant (1).
Genome position (GRCh38, 1-based): chr17:43,071,073, G>C on the plus strand (C>G on the coding strand, the complement: BRCA1 is on the minus strand). VCF-style: chr17-43071073-G-C. GRCh37 (hg19) VCF-style: chr17-41223090-G-C.
Other names: c.1409C>G, p.Pro470Arg (NM_001408426.1, NM_001408427.1, NM_001408428.1 and 4 more transcripts); c.1406C>G, p.Pro469Arg (NM_001408433.1, NM_001408434.1, NM_001408432.1 and 10 more transcripts); c.4712C>G, p.Pro1571Arg (NM_001407685.1, NM_001407686.1, NM_001407687.1 and 6 more transcripts); c.4709C>G, p.Pro1570Arg (NM_001407690.1, NM_001407691.1); c.4700C>G, p.Pro1567Arg (NM_001407692.1, NM_001407694.1, NM_001407695.1 and 13 more transcripts); c.4697C>G, p.Pro1566Arg (NM_001407732.1, NM_001407733.1, NM_001407734.1 and 21 more transcripts); c.4694C>G, p.Pro1565Arg (NM_001407838.1, NM_001407839.1, NM_001407841.1 and 12 more transcripts); c.4841C>G, p.Pro1614Arg (NM_001407854.1, NM_001407593.1, NM_001407594.1 and 8 more transcripts); and 71 more; short protein forms P1460R, P1503R, P1524R, P1525R, P1526R, P1547R, P1571R, P1586R.
Identifiers: ClinVar variation 2765383 (VCV002765383.3), dbSNP rs766305255, ClinGen allele CA10591840.

ClinVar aggregate classification (germline): Uncertain significance (1 of 4 stars; one submission).

Conditions:
Hereditary breast ovarian cancer syndrome. Also called: Hereditary breast and ovarian cancer syndrome; Hereditary breast and/or ovarian cancer syndrome; BRCA1- and BRCA2-Associated Hereditary Breast and Ovarian Cancer; Hereditary breast and ovarian cancer; Breast and ovarian cancer; Hereditary breast and ovarian cancer syndrome (HBOC). Identifiers: Orphanet 145, MedGen C0677776, MeSH D061325, MONDO:0003582. Disease mechanism: loss of function.

Submission:

Labcorp Genetics (formerly Invitae), Labcorp
Classification: Uncertain significance for Hereditary breast ovarian cancer syndrome. Last evaluated: 2023-06-04. Review status: criteria provided, single submitter. Criteria: Invitae Variant Classification Sherloc (09022015). Collection method: clinical testing. Allele origin: germline.
Comment: This sequence change replaces proline, which is neutral and non-polar, with arginine, which is basic and polar, at codon 1614 of the BRCA1 protein (p.Pro1614Arg). This variant is not present in population databases (gnomAD no frequency). This variant has not been reported in the literature in individuals affected with BRCA1-related conditions. Advanced modeling of protein sequence and biophysical properties (such as structural, functional, and spatial information, amino acid conservation, physicochemical variation, residue mobility, and thermodynamic stability) performed at Invitae indicates that this missense variant is not expected to disrupt BRCA1 protein function. In summary, the available evidence is currently insufficient to determine the role of this variant in disease. Therefore, it has been classified as a Variant of Uncertain Significance.